The following is an entry in ClinVar:

NM_001374385.1(ATP8B1):c.2982C>A (p.Ser994Arg)

Genes: ATP8B1 (ATPase phospholipid transporting 8B1; minus strand), ATP8B1-AS1 (ATP8B1 antisense RNA 1; plus strand). Cytogenetic location: 18q21.31.
Variant type: single nucleotide variant.
Coding change: c.2982C>A on transcript NM_001374385.1 (MANE Select); coding-DNA position 2982, C replaced by A.
Protein change: p.Ser994Arg; replaces serine 994 with arginine.
Molecular consequence: missense variant.
Genome position (GRCh38, 1-based): chr18:57,654,025, G>T on the plus strand (C>A on the coding strand, the complement: ATP8B1 is on the minus strand). VCF-style: chr18-57654025-G-T. GRCh37 (hg19) VCF-style: chr18-55321257-G-T.
Other names: c.2832C>A, p.Ser944Arg (NM_001374386.1); c.2982C>A, p.Ser994Arg (NM_005603.6); short protein forms S944R, S994R.
Identifiers: ClinVar variation 4846290 (VCV004846290.1).

ClinVar aggregate classification (germline): Uncertain significance (1 of 4 stars; one submission).

Conditions:
Familial intrahepatic cholestasis. Identifiers: Orphanet 284385, MedGen CN296401, MONDO:0017290.

Submission:

Genomenon, Inc
Classification: Uncertain significance for Familial intrahepatic cholestasis. Last evaluated: 2026-04-14. Review status: criteria provided, single submitter. Criteria: Genomenon Sequence Variant Interpretation Standards - Updated. Collection method: curation. Allele origin: germline. Affected: yes.
Comment: ATP8B1 p.Ser994Arg (c.2982C>A) is a missense variant that changes the amino acid at residue 994 from Serine to Arginine. This variant has been observed in at least one proband with features of ATP8B1-deficiency (PMID:20232290). It has been observed in trans with a pathogenic or likely pathogenic variant (PMID:20232290). Functional studies have been reported (PMID:35349344). It is absent or not present at a significant frequency in gnomAD. In conclusion, we classify ATP8B1 p.Ser994Arg (c.2982C>A) as a variant of uncertain significance.

Literature cited by the submitters: PubMed 20232290; PubMed 35349344.